The following is an entry in ClinVar:

NM_032383.5(HPS3):c.830C>T (p.Thr277Met)

Gene: HPS3 (HPS3 biogenesis of lysosomal organelles complex 2 subunit 1; plus strand). Cytogenetic location: 3q24.
Variant type: single nucleotide variant.
Coding change: c.830C>T on transcript NM_032383.5 (MANE Select); coding-DNA position 830, C replaced by T.
Protein change: p.Thr277Met; replaces threonine 277 with methionine.
Molecular consequence: missense variant.
Genome position (GRCh38, 1-based): chr3:149,141,134, C>T. VCF-style: chr3-149141134-C-T. GRCh37 (hg19) VCF-style: chr3-148858921-C-T.
Other names: c.830C>T (NM_032383.3); c.335C>T, p.Thr112Met (NM_001308258.2); short protein forms T112M, T277M.
Identifiers: ClinVar variation 2060026 (VCV002060026.2), dbSNP rs373328893, ClinGen allele CA2659890.

ClinVar aggregate classification (germline): Uncertain significance. Review status: criteria provided, multiple submitters, no conflicts (2 of 4 stars). 2 submissions from 2 submitters: Uncertain significance (2). Last evaluated 2025-06-24.

Conditions:
Inborn genetic diseases. Identifiers: MedGen C0950123, MeSH D030342.

Allele frequency attached by ClinVar (database versions not stated): TOPMed 0.00002; ESP Exome Variant Server 0.00008.
gnomAD v4.1: 39 of 1,611,654 alleles (0.0024%); highest among the groups gnomAD compares: Admixed American, 0.012%; no homozygotes.

Submissions (2):

Ambry Genetics
Classification: Uncertain significance for Inborn genetic diseases. Last evaluated: 2025-06-24. Review status: criteria provided, single submitter. Criteria: Ambry Variant Classification Scheme 2023. Collection method: clinical testing. Allele origin: germline.

Labcorp Genetics (formerly Invitae), Labcorp
Classification: Uncertain significance. Last evaluated: 2022-06-26. Review status: criteria provided, single submitter. Criteria: Invitae Variant Classification Sherloc (09022015). Collection method: clinical testing. Allele origin: germline.
Comment: This sequence change replaces threonine, which is neutral and polar, with methionine, which is neutral and non-polar, at codon 277 of the HPS3 protein (p.Thr277Met). This variant is present in population databases (rs373328893, gnomAD 0.02%). This variant has not been reported in the literature in individuals affected with HPS3-related conditions. Algorithms developed to predict the effect of missense changes on protein structure and function are either unavailable or do not agree on the potential impact of this missense change (SIFT: "Deleterious"; PolyPhen-2: "Probably Damaging"; Align-GVGD: "Class C0"). In summary, the available evidence is currently insufficient to determine the role of this variant in disease. Therefore, it has been classified as a Variant of Uncertain Significance.